The following is an entry in ClinVar:

NM_001134363.3(RBM20):c.2001T>C (p.Ala667=)

Gene: RBM20 (RNA binding motif protein 20; plus strand). Cytogenetic location: 10q25.2.
Variant type: single nucleotide variant.
Coding change: c.2001T>C on transcript NM_001134363.3 (MANE Select); coding-DNA position 2001, T replaced by C.
Protein change: p.Ala667=; no amino-acid change (alanine 667 retained).
Molecular consequence: synonymous variant.
Genome position (GRCh38, 1-based): chr10:110,812,398, T>C. VCF-style: chr10-110812398-T-C. GRCh37 (hg19) VCF-style: chr10-112572156-T-C.
Other names: c.2001T>C (NM_001134363.1).
Identifiers: ClinVar variation 929886 (VCV000929886.8), dbSNP rs1844780588, ClinGen allele CA471368111.

ClinVar aggregate classification (germline): Likely benign. Review status: criteria provided, multiple submitters, no conflicts (2 of 4 stars). 3 submissions from 3 submitters: Likely benign (3). Last evaluated 2025-08-24.

Conditions:
Dilated cardiomyopathy 1DD (CMD1DD). Identifiers: Orphanet 154, MedGen C2750995, MONDO:0013168, OMIM 613172.
Cardiovascular phenotype. Identifiers: MedGen CN230736.

Allele frequency attached by ClinVar (database versions not stated): gnomAD exomes 0.00001.

Submissions (3):

Labcorp Genetics (formerly Invitae), Labcorp
Classification: Likely benign for Dilated cardiomyopathy 1DD. Last evaluated: 2025-08-24. Review status: criteria provided, single submitter. Criteria: Invitae Variant Classification Sherloc (09022015). Collection method: clinical testing. Allele origin: germline.

Ambry Genetics
Classification: Likely benign for Cardiovascular phenotype. Last evaluated: 2023-05-01. Review status: criteria provided, single submitter. Criteria: Ambry Variant Classification Scheme 2023. Collection method: clinical testing. Allele origin: germline.

Laboratory for Molecular Medicine, Mass General Brigham Personalized Medicine
Classification: Likely benign. Last evaluated: 2020-04-02. Review status: criteria provided, single submitter. Criteria: LMM Criteria. Collection method: clinical testing. Allele origin: germline. Observed: 1 variant allele.
Comment: The p.Ala667Ala variant in RBM20 is classified as likely benign because it does not alter an amino acid residue, it is not located within the splice consensus sequence, and splice prediction algorithms do not predict a newly created splice site. It was absent from large population studies. ACMG/AMP Criteria applied: PM2, BP4, BP7.